The following is an entry in ClinVar:

ClinVar aggregate classification (germline): Likely pathogenic (1 of 4 stars; one submission).

Conditions:
Purine-nucleoside phosphorylase deficiency. Also called: NUCLEOSIDE PHOSPHORYLASE DEFICIENCY; Immunodeficiency due to purine nucleoside phosphorylase deficiency. Identifiers: Orphanet 760, MedGen C0268125, MONDO:0013171, OMIM 613179.

Submission:

Labcorp Genetics (formerly Invitae), Labcorp
Classification: Likely pathogenic for Purine-nucleoside phosphorylase deficiency. Last evaluated: 2023-05-05. Review status: criteria provided, single submitter. Criteria: Invitae Variant Classification Sherloc (09022015). Collection method: clinical testing. Allele origin: germline.
Comment: In summary, the currently available evidence indicates that the variant is pathogenic, but additional data are needed to prove that conclusively. Therefore, this variant has been classified as Likely Pathogenic. Algorithms developed to predict the effect of sequence changes on RNA splicing suggest that this variant may disrupt the consensus splice site. This variant has not been reported in the literature in individuals affected with PNP-related conditions. This variant is not present in population databases (gnomAD no frequency). This sequence change affects a donor splice site in intron 1 of the PNP gene. It is expected to disrupt RNA splicing. Variants that disrupt the donor or acceptor splice site typically lead to a loss of protein function (PMID: 16199547), and loss-of-function variants in PNP are known to be pathogenic (PMID: 24767876).

Literature cited by the submitters: PubMed 16199547; PubMed 24767876.

NM_000270.4(PNP):c.11+2T>A

Gene: PNP (purine nucleoside phosphorylase; plus strand). Cytogenetic location: 14q11.2.
Variant type: single nucleotide variant.
Coding change: c.11+2T>A on transcript NM_000270.4 (MANE Select); the canonical splice donor site of the intron after coding-DNA position 11, T replaced by A.
Molecular consequence: splice donor variant.
Genome position (GRCh38, 1-based): chr14:20,469,537, T>A. VCF-style: chr14-20469537-T-A. GRCh37 (hg19) VCF-style: chr14-20937696-T-A.
Identifiers: ClinVar variation 2862345 (VCV002862345.3), dbSNP rs2139331878, ClinGen allele CA389141735.